The following is an entry in ClinVar:

ClinVar aggregate classification (germline): Uncertain significance. Review status: criteria provided, multiple submitters, no conflicts (2 of 4 stars). 5 submissions from 5 submitters: Uncertain significance (5). Last evaluated 2025-10-30.

Conditions:
Familial cancer of breast. Also called: BREAST CANCER, FAMILIAL; hereditary breast carcinoma; Hereditary breast cancer. Identifiers: Orphanet 227535, MedGen C0346153, MONDO:0016419, OMIM 114480. Disease mechanism: loss of function.
Hereditary cancer-predisposing syndrome. Also called: Neoplastic Syndromes, Hereditary; Tumor predisposition; Hereditary Cancer Syndrome; Hereditary neoplastic syndrome. Identifiers: Orphanet 140162, MedGen C0027672, MeSH D009386, MONDO:0015356.

Submissions (5):

Ambry Genetics
Classification: Uncertain significance for Hereditary cancer-predisposing syndrome. Last evaluated: 2025-10-30. Review status: criteria provided, single submitter. Criteria: Ambry Variant Classification Scheme 2023. Collection method: clinical testing. Allele origin: germline.
Comment: The p.P316L variant (also known as c.947C>T), located in coding exon 4 of the PALB2 gene, results from a C to T substitution at nucleotide position 947. The proline at codon 316 is replaced by leucine, an amino acid with similar properties. Based on protein sequence alignment, this amino acid position is not well conserved in available vertebrate species. In addition, this alteration is predicted to be tolerated by in silico analysis. Since supporting evidence is limited at this time, the clinical significance of this alteration remains unclear.

Labcorp Genetics (formerly Invitae), Labcorp
Classification: Uncertain significance for Familial cancer of breast. Last evaluated: 2024-06-21. Review status: criteria provided, single submitter. Criteria: Invitae Variant Classification Sherloc (09022015). Collection method: clinical testing. Allele origin: germline.
Comment: This sequence change replaces proline, which is neutral and non-polar, with leucine, which is neutral and non-polar, at codon 316 of the PALB2 protein (p.Pro316Leu). This variant is not present in population databases (gnomAD no frequency). This variant has not been reported in the literature in individuals affected with PALB2-related conditions. ClinVar contains an entry for this variant (Variation ID: 230958). Advanced modeling of protein sequence and biophysical properties (such as structural, functional, and spatial information, amino acid conservation, physicochemical variation, residue mobility, and thermodynamic stability) performed at Invitae indicates that this missense variant is not expected to disrupt PALB2 protein function with a negative predictive value of 80%. In summary, the available evidence is currently insufficient to determine the role of this variant in disease. Therefore, it has been classified as a Variant of Uncertain Significance.

ARUP Laboratories, Molecular Genetics and Genomics, ARUP Laboratories
Classification: Uncertain significance. Last evaluated: 2024-04-01. Review status: criteria provided, single submitter. Criteria: ARUP Molecular Germline Variant Investigation Process 2024. Collection method: clinical testing. Allele origin: germline.
Comment: The PALB2 c.947C>T; p.Pro316Leu variant (rs876658867), to our knowledge, is not reported in the medical literature but is reported in ClinVar (Variation ID: 230958). This variant is absent from the Genome Aggregation Database (v2.1.1), indicating it is not a common polymorphism. Computational analyses predict that this variant is neutral (REVEL: 0.089). Due to limited information, the clinical significance of this variant is uncertain at this time.

Baylor Genetics
Classification: Uncertain significance for Familial cancer of breast. Last evaluated: 2023-09-04. Review status: criteria provided, single submitter. Criteria: ACMG Guidelines, 2015. Collection method: clinical testing. Allele origin: unknown.

Sema4
Classification: Uncertain significance for Hereditary cancer-predisposing syndrome. Last evaluated: 2021-11-17. Review status: criteria provided, single submitter. Criteria: Sema4 Curation Guidelines. Collection method: curation. Allele origin: germline.
Comment: The PALB2 c.947C>T (p.P316L) variant has not been reported in the literature to our knowledge. It was not observed in the large and broad cohorts of the Genome Aggregation Database. The variant has been reported in ClinVar (Variation ID 230958). In silico tools suggest the impact of the variant on protein function is benign, though these predictions have not been confirmed by functional studies. The evidence is insufficient to meet ACMG/AMP criteria for classifying the variant as benign or pathogenic. Thus, the clinical significance of this variant is currently uncertain.

NM_024675.4(PALB2):c.947C>T (p.Pro316Leu)

Gene: PALB2 (partner and localizer of BRCA2; minus strand). Cytogenetic location: 16p12.2.
Variant type: single nucleotide variant.
Coding change: c.947C>T on transcript NM_024675.4 (MANE Select); coding-DNA position 947, C replaced by T.
Protein change: p.Pro316Leu; replaces proline 316 with leucine.
Molecular consequence: missense variant.
Genome position (GRCh38, 1-based): chr16:23,635,599, G>A on the plus strand (C>T on the coding strand, the complement: PALB2 is on the minus strand). VCF-style: chr16-23635599-G-A. GRCh37 (hg19) VCF-style: chr16-23646920-G-A.
Other names: short protein forms P316L.
Identifiers: ClinVar variation 230958 (VCV000230958.17), dbSNP rs876658867, ClinGen allele CA10580027.
Genomic context (GRCh38, chr16:23,635,599, plus strand): 5'-TTATTGTAGGTGAGTTCATTTAGAGAACATGAAATATTTGCCTCTAAATTAGAACTTGTG[G>A]GCAGTTGGCCACTTTTACTTATAGCTTTATTTACAAGGAGGTTATCTGTAGAGACAGTCA-3'
Protein context (NP_078951.2, residues 306-326): NKAISKSGQL[Pro316Leu]TSSNLEANIS